The following is an entry in ClinVar:

NM_000218.3(KCNQ1):c.1393+27384G>A

Genes: KCNQ1 (potassium voltage-gated channel subfamily Q member 1; plus strand), KCNQ1OT1 (KCNQ1 opposite strand/antisense transcript 1; minus strand). Cytogenetic location: 11p15.5.
Variant type: single nucleotide variant.
Coding change: c.1393+27384G>A on transcript NM_000218.3 (MANE Select); 27384 bases into the intron after coding-DNA position 1393, G replaced by A.
Molecular consequence: intron variant.
Genome position (GRCh38, 1-based): chr11:2,616,238, G>A. VCF-style: chr11-2616238-G-A. GRCh37 (hg19) VCF-style: chr11-2637468-G-A.
Other names: c.1123+27384G>A (NM_001406837.1); c.1297+27384G>A (NM_001406836.1); c.853+27384G>A (NM_001406838.1); c.1012+27384G>A (NM_181798.2).
Identifiers: ClinVar variation 1694590 (VCV001694590.31), dbSNP rs148720314, ClinGen allele CA216359938.
Genomic context (GRCh38, chr11:2,616,238, plus strand): 5'-AGATCAGTTATATCGTTCCCACTTTTGTTTTTTTTTCTTATTTTTGTTTTTTTTTGTTGT[G>A]TTCCTACTTTTGTTTATGATTTTAGATATGTGCAACTTCTCTAATTTTTTATTAGTCATT-3'

ClinVar aggregate classification (germline): Likely benign (1 of 4 stars; one submission).

Allele frequency attached by ClinVar (database versions not stated): gnomAD exomes 0.00232; gnomAD 0.00254 and 0.00255; 1000 Genomes Project 0.00339; TOPMed 0.00355; 1000 Genomes Project 30x 0.00390.
gnomAD v4.1: 988 of 389,430 alleles (0.25%); highest among the groups gnomAD compares: Admixed American, 0.88%; 6 homozygotes.

Submission:

CeGaT Center for Human Genetics Tuebingen
Classification: Likely benign. Last evaluated: 2026-09-01. Review status: criteria provided, single submitter. Criteria: CeGaT Center For Human Genetics Tuebingen Variant Classification Criteria Version 2. Collection method: clinical testing. Allele origin: germline. Affected: yes. Observed: 49 variant alleles.
Comment: KCNQ1OT1: BS2; KCNQ1: BS2